The following is an entry in ClinVar:

NM_024939.3(ESRP2):c.1553C>T (p.Ala518Val)

Gene: ESRP2 (epithelial splicing regulatory protein 2; minus strand). Cytogenetic location: 16q22.1.
Variant type: single nucleotide variant.
Coding change: c.1553C>T on transcript NM_024939.3 (MANE Select); coding-DNA position 1553, C replaced by T.
Protein change: p.Ala518Val; replaces alanine 518 with valine.
Molecular consequence: missense variant.
Genome position (GRCh38, 1-based): chr16:68,231,336, G>A on the plus strand (C>T on the coding strand, the complement: ESRP2 is on the minus strand). VCF-style: chr16-68231336-G-A. GRCh37 (hg19) VCF-style: chr16-68265239-G-A.
Other names: c.1583C>T, p.Ala528Val (NM_001365264.1); c.1553C>T, p.Ala518Val (NM_001365265.1); short protein forms A518V, A528V.
Identifiers: ClinVar variation 3043764 (VCV003043764.2), dbSNP rs3743738, ClinGen allele CA8125218.

ClinVar aggregate classification (germline): Benign (0 of 4 stars; one submission).

Conditions:
ESRP2-related disorder. Also called: ESRP2-related condition.

Allele frequency attached by ClinVar (database versions not stated): ESP Exome Variant Server 0.00069; TOPMed 0.00250; gnomAD exomes 0.00270; gnomAD 0.00276; ExAC 0.00570; 1000 Genomes Project 30x 0.00937; 1000 Genomes Project 0.01058.
gnomAD v4.1: 4,389 of 1,614,162 alleles (0.27%); highest among the groups gnomAD compares: East Asian, 6.4%; 115 homozygotes.

Submission:

PreventionGenetics, part of Exact Sciences
Classification: Benign for ESRP2-related condition. Last evaluated: 2019-03-29. Review status: no assertion criteria provided. Collection method: clinical testing. Allele origin: germline.
Comment: This variant is classified as benign based on ACMG/AMP sequence variant interpretation guidelines (Richards et al. 2015 PMID: 25741868, with internal and published modifications).